The following is an entry in ClinVar:

ClinVar aggregate classification (germline): Conflicting classifications of pathogenicity. Review status: criteria provided, conflicting classifications (1 of 4 stars). 3 submissions from 3 submitters: Uncertain significance (2); Benign (1). Last evaluated 2026-01-04.

Conditions:
Primary ciliary dyskinesia 7. Also called: CILIARY DYSKINESIA, PRIMARY, 7, WITH OR WITHOUT SITUS INVERSUS. Identifiers: Orphanet 244, MedGen C2678473, MONDO:0012748, OMIM 611884.
Primary ciliary dyskinesia. Also called: Ciliary dyskinesia. Identifiers: Orphanet 244, MedGen C0008780, MONDO:0016575, HP:0012265.

Allele frequency attached by ClinVar (database versions not stated): ExAC 0.00001; gnomAD 0.00001; gnomAD exomes 0.00002; TOPMed 0.00003.
gnomAD v4.1: 37 of 1,613,496 alleles (0.0023%); highest among the groups gnomAD compares: East Asian, 0.027%; no homozygotes.

Submissions (3):

Labcorp Genetics (formerly Invitae), Labcorp
Classification: Benign for Primary ciliary dyskinesia. Last evaluated: 2026-01-04. Review status: criteria provided, single submitter. Criteria: Invitae Variant Classification Sherloc (09022015). Collection method: clinical testing. Allele origin: germline.

Ambry Genetics
Classification: Uncertain significance for Primary ciliary dyskinesia. Last evaluated: 2024-04-19. Review status: criteria provided, single submitter. Criteria: Ambry Variant Classification Scheme 2023. Collection method: clinical testing. Allele origin: germline.
Comment: The p.V1440L variant (also known as c.4318G>C), located in coding exon 24 of the DNAH11 gene, results from a G to C substitution at nucleotide position 4318. The valine at codon 1440 is replaced by leucine, an amino acid with highly similar properties. This amino acid position is not well conserved in available vertebrate species. In addition, this alteration is predicted to be tolerated by in silico analysis. Since supporting evidence is limited at this time, the clinical significance of this alteration remains unclear.

Fulgent Genetics
Classification: Uncertain significance for Primary ciliary dyskinesia 7. Last evaluated: 2018-10-31. Review status: criteria provided, single submitter. Criteria: ACMG Guidelines, 2015. Collection method: clinical testing. Allele origin: unknown.

NM_001277115.2(DNAH11):c.4318G>C (p.Val1440Leu)

Gene: DNAH11 (dynein axonemal heavy chain 11; plus strand). Cytogenetic location: 7p15.3.
Variant type: single nucleotide variant.
Coding change: c.4318G>C on transcript NM_001277115.2 (MANE Select); coding-DNA position 4318, G replaced by C.
Protein change: p.Val1440Leu; replaces valine 1440 with leucine.
Molecular consequence: missense variant.
Genome position (GRCh38, 1-based): chr7:21,619,163, G>C. VCF-style: chr7-21619163-G-C. GRCh37 (hg19) VCF-style: chr7-21658781-G-C.
Other names: short protein forms V1440L.
Identifiers: ClinVar variation 570039 (VCV000570039.11), dbSNP rs753773546, ClinGen allele CA4179995.